The following is an entry in ClinVar:

NM_007347.5(AP4E1):c.1853T>G (p.Val618Gly)

Gene: AP4E1 (adaptor related protein complex 4 subunit epsilon 1; plus strand). Cytogenetic location: 15q21.2.
Variant type: single nucleotide variant.
Coding change: c.1853T>G on transcript NM_007347.5 (MANE Select); coding-DNA position 1853, T replaced by G.
Protein change: p.Val618Gly; replaces valine 618 with glycine.
Molecular consequence: missense variant.
Genome position (GRCh38, 1-based): chr15:50,968,264, T>G. VCF-style: chr15-50968264-T-G. GRCh37 (hg19) VCF-style: chr15-51260461-T-G.
Other names: c.1628T>G, p.Val543Gly (NM_001252127.2); short protein forms V543G, V618G.
Identifiers: ClinVar variation 1715423 (VCV001715423.5), dbSNP rs2504835542, ClinGen allele CA392417407.

ClinVar aggregate classification (germline): Uncertain significance (1 of 4 stars; one submission).

Conditions:
Spastic paraplegia. Identifiers: MedGen C0037772, HP:0001258.

Submission:

Labcorp Genetics (formerly Invitae), Labcorp
Classification: Uncertain significance for Spastic paraplegia. Last evaluated: 2022-09-07. Review status: criteria provided, single submitter. Criteria: Invitae Variant Classification Sherloc (09022015). Collection method: clinical testing. Allele origin: germline.
Comment: In summary, the available evidence is currently insufficient to determine the role of this variant in disease. Therefore, it has been classified as a Variant of Uncertain Significance. Algorithms developed to predict the effect of sequence changes on RNA splicing suggest that this variant may disrupt the consensus splice site. Algorithms developed to predict the effect of missense changes on protein structure and function are either unavailable or do not agree on the potential impact of this missense change (SIFT: "Deleterious"; PolyPhen-2: "Possibly Damaging"; Align-GVGD: "Class C0"). This variant has not been reported in the literature in individuals affected with AP4E1-related conditions. This variant is not present in population databases (gnomAD no frequency). This sequence change replaces valine, which is neutral and non-polar, with glycine, which is neutral and non-polar, at codon 618 of the AP4E1 protein (p.Val618Gly).